The following is an entry in ClinVar:

NM_000152.5(GAA):c.2323C>A (p.Leu775Met)

Gene: GAA (alpha glucosidase; plus strand). Cytogenetic location: 17q25.3.
Variant type: single nucleotide variant.
Coding change: c.2323C>A on transcript NM_000152.5 (MANE Select); coding-DNA position 2323, C replaced by A.
Protein change: p.Leu775Met; replaces leucine 775 with methionine.
Molecular consequence: missense variant.
Genome position (GRCh38, 1-based): chr17:80,117,101, C>A. VCF-style: chr17-80117101-C-A. GRCh37 (hg19) VCF-style: chr17-78090900-C-A.
Other names: c.2323C>A (NM_000152.4, LRG_673t1); c.2323C>A, p.Leu775Met (NM_001079803.3, NM_001079804.3); short protein forms L775M.
Identifiers: ClinVar variation 281240 (VCV000281240.31), dbSNP rs147290429, ClinGen allele CA8815687.

ClinVar aggregate classification (germline): Conflicting classifications of pathogenicity. Review status: criteria provided, conflicting classifications (1 of 4 stars). 7 submissions from 7 submitters: Uncertain significance (6); Likely benign (1). Last evaluated 2026-02-27.

Conditions:
GAA-related disorder. Also called: GAA-related condition.
Cardiovascular phenotype. Identifiers: MedGen CN230736.
Glycogen storage disease, type II (IOPD). Also called: CARDIOMEGALIA GLYCOGENICA DIFFUSA; GLYCOGENOSIS, GENERALIZED, CARDIAC FORM; GSD II; Pompe Disease; Glycogen storage disease type 2; Acid maltase deficiency disease. Identifiers: Orphanet 365, MedGen C0017921, MONDO:0009290, OMIM 232300.

Allele frequency attached by ClinVar (database versions not stated): gnomAD exomes 0.00007; ExAC 0.00008; gnomAD 0.00021 and 0.00024; TOPMed 0.00030; ESP Exome Variant Server 0.00031; 1000 Genomes Project 30x 0.00078; 1000 Genomes Project 0.00080.
gnomAD v4.1: 86 of 1,612,794 alleles (0.0053%); highest among the groups gnomAD compares: African/African-American, 0.099%; no homozygotes.

Submissions (7):

PreventionGenetics, part of Exact Sciences
Classification: Uncertain significance for GAA-related condition. Last evaluated: 2026-02-27. Review status: criteria provided, single submitter. Criteria: ACMG Guidelines, 2015. Collection method: clinical testing. Allele origin: germline.
Comment: The GAA c.2323C>A variant is predicted to result in the amino acid substitution p.Leu775Met. To our knowledge, this variant has not been reported in the literature. This variant is reported in 0.081% of alleles in individuals of African descent in gnomAD. Although we suspect that this variant may be benign, at this time, the clinical significance of this variant is uncertain due to the absence of conclusive functional and genetic evidence.

GeneDx
Classification: Uncertain significance. Last evaluated: 2026-02-03. Review status: criteria provided, single submitter. Criteria: GeneDx Variant Classification Process June 2021. Collection method: clinical testing. Allele origin: germline. Affected: yes.
Comment: In silico analysis supports that this missense variant does not alter protein structure/function; Observed in the heterozygous state in an individual with limb-girdle muscular weakness (PMID: 39678382); This variant is associated with the following publications: (PMID: 19343043, 22253258, 39678382)

Labcorp Genetics (formerly Invitae), Labcorp
Classification: Likely benign for Glycogen storage disease, type II. Last evaluated: 2026-01-19. Review status: criteria provided, single submitter. Criteria: Invitae Variant Classification Sherloc (09022015). Collection method: clinical testing. Allele origin: germline.

Ambry Genetics
Classification: Uncertain significance for Cardiovascular phenotype. Last evaluated: 2024-09-19. Review status: criteria provided, single submitter. Criteria: Ambry Variant Classification Scheme 2023. Collection method: clinical testing. Allele origin: germline.
Comment: The p.L775M variant (also known as c.2323C>A), located in coding exon 15 of the GAA gene, results from a C to A substitution at nucleotide position 2323. The leucine at codon 775 is replaced by methionine, an amino acid with highly similar properties. This amino acid position is not well conserved in available vertebrate species. In addition, this alteration is predicted to be tolerated by in silico analysis. Based on the available evidence, the clinical significance of this variant remains unclear.

Genome-Nilou Lab
Classification: Uncertain significance for Glycogen storage disease, type II. Last evaluated: 2021-07-22. Review status: criteria provided, single submitter. Criteria: ACMG Guidelines, 2015. Collection method: clinical testing. Allele origin: germline. Affected: no.

Revvity Omics, Revvity
Classification: Uncertain significance. Last evaluated: 2021-02-23. Review status: criteria provided, single submitter. Criteria: ACMG Guidelines, 2015. Collection method: clinical testing. Allele origin: germline.

Eurofins Ntd Llc (ga)
Classification: Uncertain significance. Last evaluated: 2015-11-04. Review status: criteria provided, single submitter. Criteria: EGL Classification Definitions 2015. Collection method: clinical testing. Allele origin: germline. Observed: 2 variant alleles, 2 heterozygotes.